The following is an entry in ClinVar:

NM_000059.4(BRCA2):c.6660A>C (p.Glu2220Asp)

Gene: BRCA2 (BRCA2 DNA repair associated; plus strand). Cytogenetic location: 13q13.1.
Variant type: single nucleotide variant.
Coding change: c.6660A>C on transcript NM_000059.4 (MANE Select); coding-DNA position 6660, A replaced by C.
Protein change: p.Glu2220Asp; replaces glutamic acid 2220 with aspartic acid.
Molecular consequence: missense variant.
Genome position (GRCh38, 1-based): chr13:32,341,015, A>C. VCF-style: chr13-32341015-A-C. GRCh37 (hg19) VCF-style: chr13-32915152-A-C.
Other names: c.6660A>C (NM_000059.3); short protein forms E2220D.
Identifiers: ClinVar variation 1444569 (VCV001444569.8), dbSNP rs2137529521, ClinGen allele CA387790445.

ClinVar aggregate classification (germline): Conflicting classifications of pathogenicity. Review status: criteria provided, conflicting classifications (1 of 4 stars). 3 submissions from 3 submitters: Uncertain significance (2); Likely benign (1). Last evaluated 2024-04-10.

Conditions:
Hereditary cancer-predisposing syndrome. Also called: Tumor predisposition; Hereditary Cancer Syndrome; Hereditary neoplastic syndrome; Neoplastic Syndromes, Hereditary. Identifiers: Orphanet 140162, MedGen C0027672, MeSH D009386, MONDO:0015356.
Hereditary breast ovarian cancer syndrome. Also called: Hereditary breast and ovarian cancer; Hereditary breast and ovarian cancer syndrome; Breast and ovarian cancer; BRCA1- and BRCA2-Associated Hereditary Breast and Ovarian Cancer; Hereditary breast and/or ovarian cancer syndrome; Hereditary breast and ovarian cancer syndrome (HBOC). Identifiers: Orphanet 145, MedGen C0677776, MeSH D061325, MONDO:0003582. Disease mechanism: loss of function.

Submissions (3):

Ambry Genetics
Classification: Uncertain significance for Hereditary cancer-predisposing syndrome. Last evaluated: 2024-04-10. Review status: criteria provided, single submitter. Criteria: Ambry Variant Classification Scheme 2023. Collection method: clinical testing. Allele origin: germline.
Comment: The p.E2220D variant (also known as c.6660A>C), located in coding exon 10 of the BRCA2 gene, results from an A to C substitution at nucleotide position 6660. The glutamic acid at codon 2220 is replaced by aspartic acid, an amino acid with highly similar properties. This amino acid position is conserved. In addition, the in silico prediction for this alteration is inconclusive. Based on the available evidence, the clinical significance of this variant remains unclear.

University of Washington Department of Laboratory Medicine, University of Washington
Classification: Likely benign for Hereditary cancer-predisposing syndrome. Last evaluated: 2023-03-23. Review status: criteria provided, single submitter. Criteria: Dines et al. (Genet Med. 2020). Collection method: curation. Allele origin: germline.
Comment: Missense variant in a coldspot region where missense variants are very unlikely to be pathogenic (PMID:31911673).

BRCA2 exon 11 coldspot. Reclassification based on statistical prior probability.

Labcorp Genetics (formerly Invitae), Labcorp
Classification: Uncertain significance for Hereditary breast ovarian cancer syndrome. Last evaluated: 2021-07-30. Review status: criteria provided, single submitter. Criteria: Invitae Variant Classification Sherloc (09022015). Collection method: clinical testing. Allele origin: germline.
Comment: This sequence change replaces glutamic acid with aspartic acid at codon 2220 of the BRCA2 protein (p.Glu2220Asp). The glutamic acid residue is moderately conserved and there is a small physicochemical difference between glutamic acid and aspartic acid. In summary, the available evidence is currently insufficient to determine the role of this variant in disease. Therefore, it has been classified as a Variant of Uncertain Significance. Advanced modeling of protein sequence and biophysical properties (such as structural, functional, and spatial information, amino acid conservation, physicochemical variation, residue mobility, and thermodynamic stability) performed at Invitae indicates that this missense variant is not expected to disrupt BRCA2 protein function. This variant has not been reported in the literature in individuals affected with BRCA2-related conditions. This variant is not present in population databases (ExAC no frequency).